The following is an entry in ClinVar:

ClinVar aggregate classification (germline): Uncertain significance. Review status: criteria provided, multiple submitters, no conflicts (2 of 4 stars). 3 submissions from 3 submitters: Uncertain significance (3). Last evaluated 2025-03-26.

Conditions:
Hereditary cancer-predisposing syndrome. Also called: Neoplastic Syndromes, Hereditary; Hereditary Cancer Syndrome; Hereditary neoplastic syndrome; Tumor predisposition. Identifiers: Orphanet 140162, MedGen C0027672, MeSH D009386, MONDO:0015356.
Tuberous sclerosis 2 (TSC2). Identifiers: Orphanet 805, MedGen C1860707, MONDO:0013199, OMIM 613254.
Tuberous sclerosis syndrome (TSC). Also called: Tuberous sclerosis; Tuberous Sclerosis Complex. Identifiers: Orphanet 805, MedGen C0041341, MONDO:0001734.

Allele frequency attached by ClinVar (database versions not stated): gnomAD 0.00001; TOPMed 0.00001.

Submissions (3):

Labcorp Genetics (formerly Invitae), Labcorp
Classification: Uncertain significance for Tuberous sclerosis 2. Last evaluated: 2025-03-26. Review status: criteria provided, single submitter. Criteria: Invitae Variant Classification Sherloc (09022015). Collection method: clinical testing. Allele origin: germline.
Comment: This sequence change replaces leucine, which is neutral and non-polar, with phenylalanine, which is neutral and non-polar, at codon 136 of the TSC2 protein (p.Leu136Phe). This variant is not present in population databases (gnomAD no frequency). This variant has not been reported in the literature in individuals affected with TSC2-related conditions. ClinVar contains an entry for this variant (Variation ID: 640127). Invitae Evidence Modeling of protein sequence and biophysical properties (such as structural, functional, and spatial information, amino acid conservation, physicochemical variation, residue mobility, and thermodynamic stability) indicates that this missense variant is not expected to disrupt TSC2 protein function with a negative predictive value of 95%. In summary, the available evidence is currently insufficient to determine the role of this variant in disease. Therefore, it has been classified as a Variant of Uncertain Significance.

Ambry Genetics
Classification: Uncertain significance for Hereditary cancer-predisposing syndrome. Last evaluated: 2025-03-18. Review status: criteria provided, single submitter. Criteria: Ambry Variant Classification Scheme 2023. Collection method: clinical testing. Allele origin: germline.
Comment: The p.L136F variant (also known as c.406C>T), located in coding exon 4 of the TSC2 gene, results from a C to T substitution at nucleotide position 406. The leucine at codon 136 is replaced by phenylalanine, an amino acid with highly similar properties. This amino acid position is highly conserved in available vertebrate species. In addition, the in silico prediction for this alteration is inconclusive. Since supporting evidence is limited at this time, the clinical significance of this alteration remains unclear.

All of Us Research Program, National Institutes of Health
Classification: Uncertain significance for Tuberous sclerosis syndrome. Last evaluated: 2023-11-20. Review status: criteria provided, single submitter. Criteria: ACMG Guidelines, 2015. Collection method: clinical testing. Allele origin: germline. Inheritance: Autosomal dominant inheritance. Observed: 1 variant allele, 1 heterozygote.
Comment: This missense variant replaces leucine with phenylalanine at codon 136 of the TSC2 protein. Computational prediction is inconclusive regarding the impact of this variant on protein structure and function (internally defined REVEL score threshold 0.5 < inconclusive < 0.7, PMID: 27666373). To our knowledge, functional studies have not been reported for this variant. This variant has not been reported in individuals affected with TSC2-related disorders in the literature. This variant has not been identified in the general population by the Genome Aggregation Database (gnomAD). The available evidence is insufficient to determine the role of this variant in disease conclusively. Therefore, this variant is classified as a Variant of Uncertain Significance.

This study involves interpretation of variants in research participants for the purpose of population health screening. Participant phenotype was not available at the time of variant classification. Additional details can be found in publication PMID: 35346344, PMCID: PMC8962531

NM_000548.5(TSC2):c.406C>T (p.Leu136Phe)

Gene: TSC2 (TSC complex subunit 2; plus strand). Cytogenetic location: 16p13.3.
Variant type: single nucleotide variant.
Coding change: c.406C>T on transcript NM_000548.5 (MANE Select); coding-DNA position 406, C replaced by T.
Protein change: p.Leu136Phe; replaces leucine 136 with phenylalanine.
Molecular consequence: missense variant. On other transcripts: intron variant (1).
Genome position (GRCh38, 1-based): chr16:2,054,365, C>T. VCF-style: chr16-2054365-C-T. GRCh37 (hg19) VCF-style: chr16-2104366-C-T.
Other names: c.406C>T, p.Leu136Phe (NM_001077183.3, NM_001114382.3, NM_001363528.2 and 3 more transcripts); c.295C>T, p.Leu99Phe (NM_001318827.2); c.259C>T, p.Leu87Phe (NM_001318829.2); c.439C>T, p.Leu147Phe (NM_001318832.2); c.-1-1831C>T (NM_001318831.2); short protein forms L136F, L87F, L147F, L99F.
Identifiers: ClinVar variation 640127 (VCV000640127.11), dbSNP rs1350803240, ClinGen allele CA394307035.